The following is an entry in ClinVar:

ClinVar aggregate classification (germline): Uncertain significance. Review status: criteria provided, multiple submitters, no conflicts (2 of 4 stars). 3 submissions from 3 submitters: Uncertain significance (3). Last evaluated 2024-01-17.

Conditions:
Inborn genetic diseases. Identifiers: MedGen C0950123, MeSH D030342.
Early-infantile DEE. Also called: Early infantile epileptic encephalopathy with suppression bursts; Early infantile epileptic encephalopathy; Ohtahara syndrome. Identifiers: Orphanet 1934, MedGen C0393706, MONDO:0800491.

Allele frequency attached by ClinVar (database versions not stated): gnomAD exomes below 0.00001 and 0.00001; TOPMed below 0.00001; gnomAD 0.00001; ExAC 0.00002; 1000 Genomes Project 30x 0.00031; 1000 Genomes Project 0.00040.
gnomAD v4.1: 8 of 1,613,958 alleles (0.0005%); highest among the groups gnomAD compares: East Asian, 0.0022%; no homozygotes.

Submissions (3):

GeneDx
Classification: Uncertain significance. Last evaluated: 2024-01-17. Review status: criteria provided, single submitter. Criteria: GeneDx Variant Classification Process June 2021. Collection method: clinical testing. Allele origin: germline. Affected: yes.
Comment: Missense variants in this gene are a common cause of disease and they are underrepresented in the general population; In silico analysis supports that this missense variant has a deleterious effect on protein structure/function; Has not been previously published as pathogenic or benign to our knowledge; This substitution is predicted to be within the C-terminal cytoplasmic domain

Labcorp Genetics (formerly Invitae), Labcorp
Classification: Uncertain significance for Early-infantile DEE. Last evaluated: 2023-04-03. Review status: criteria provided, single submitter. Criteria: Invitae Variant Classification Sherloc (09022015). Collection method: clinical testing. Allele origin: germline.
Comment: This sequence change replaces arginine, which is basic and polar, with histidine, which is basic and polar, at codon 1904 of the SCN8A protein (p.Arg1904His). This variant is present in population databases (rs142069713, gnomAD 0.003%). This variant has not been reported in the literature in individuals affected with SCN8A-related conditions. Advanced modeling of protein sequence and biophysical properties (such as structural, functional, and spatial information, amino acid conservation, physicochemical variation, residue mobility, and thermodynamic stability) performed at Invitae indicates that this missense variant is not expected to disrupt SCN8A protein function. In summary, the available evidence is currently insufficient to determine the role of this variant in disease. Therefore, it has been classified as a Variant of Uncertain Significance. ClinVar contains an entry for this variant (Variation ID: 645276).

Ambry Genetics
Classification: Uncertain significance for Inborn genetic diseases. Last evaluated: 2017-06-14. Review status: criteria provided, single submitter. Criteria: Ambry Variant Classification Scheme 2023. Collection method: clinical testing. Allele origin: germline.
Comment: The p.R1904H variant (also known as c.5711G>A), located in coding exon 26 of the SCN8A gene, results from a G to A substitution at nucleotide position 5711. The arginine at codon 1904 is replaced by histidine, an amino acid with highly similar properties. This amino acid position is not well conserved in available vertebrate species. In addition, this alteration is predicted to be tolerated by in silico analysis. Since supporting evidence is limited at this time, the clinical significance of this alteration remains unclear.

NM_001330260.2(SCN8A):c.5711G>A (p.Arg1904His)

Gene: SCN8A (sodium voltage-gated channel alpha subunit 8; plus strand). Cytogenetic location: 12q13.13.
Variant type: single nucleotide variant.
Coding change: c.5711G>A on transcript NM_001330260.2 (MANE Select); coding-DNA position 5711, G replaced by A.
Protein change: p.Arg1904His; replaces arginine 1904 with histidine.
Molecular consequence: missense variant.
Genome position (GRCh38, 1-based): chr12:51,807,197, G>A. VCF-style: chr12-51807197-G-A. GRCh37 (hg19) VCF-style: chr12-52200981-G-A.
Other names: c.5588G>A, p.Arg1863His (NM_001177984.3, NM_001369788.1); c.5711G>A, p.Arg1904His (NM_014191.4); short protein forms R1863H, R1904H.
Identifiers: ClinVar variation 645276 (VCV000645276.11), dbSNP rs142069713, ClinGen allele CA6571942.